The following is an entry in ClinVar:

ClinVar aggregate classification (germline): Uncertain significance (1 of 4 stars; one submission).

Submission:

Labcorp Genetics (formerly Invitae), Labcorp
Classification: Uncertain significance. Last evaluated: 2022-03-12. Review status: criteria provided, single submitter. Criteria: Invitae Variant Classification Sherloc (09022015). Collection method: clinical testing. Allele origin: germline.
Comment: This sequence change replaces valine, which is neutral and non-polar, with methionine, which is neutral and non-polar, at codon 800 of the SMARCA2 protein (p.Val800Met). In summary, the available evidence is currently insufficient to determine the role of this variant in disease. Therefore, it has been classified as a Variant of Uncertain Significance. Advanced modeling of protein sequence and biophysical properties (such as structural, functional, and spatial information, amino acid conservation, physicochemical variation, residue mobility, and thermodynamic stability) performed at Invitae indicates that this missense variant is not expected to disrupt SMARCA2 protein function. This variant has not been reported in the literature in individuals affected with SMARCA2-related conditions. This variant is not present in population databases (gnomAD no frequency).

NM_003070.5(SMARCA2):c.2398G>A (p.Val800Met)

Gene: SMARCA2 (SWI/SNF related BAF chromatin remodeling complex subunit ATPase 2; plus strand). Cytogenetic location: 9p24.3.
Variant type: single nucleotide variant.
Coding change: c.2398G>A on transcript NM_003070.5 (MANE Select); coding-DNA position 2398, G replaced by A.
Protein change: p.Val800Met; replaces valine 800 with methionine.
Molecular consequence: missense variant.
Genome position (GRCh38, 1-based): chr9:2,083,396, G>A. VCF-style: chr9-2083396-G-A. GRCh37 (hg19) VCF-style: chr9-2083396-G-A.
Other names: c.2398G>A, p.Val800Met (NM_001289396.2, NM_001289397.2, NM_139045.4); short protein forms V800M.
Identifiers: ClinVar variation 2110083 (VCV002110083.4), dbSNP rs2537336164, ClinGen allele CA372784474.